The following is an entry in ClinVar:

NM_020706.2(SCAF4):c.1276C>T (p.Arg426Ter)

Gene: SCAF4 (SR-related CTD associated factor 4; minus strand). Cytogenetic location: 21q22.11.
Variant type: single nucleotide variant.
Coding change: c.1276C>T on transcript NM_020706.2 (MANE Select); coding-DNA position 1276, C replaced by T.
Protein change: p.Arg426Ter; replaces arginine 426 with a stop codon.
Molecular consequence: nonsense.
Genome position (GRCh38, 1-based): chr21:31,694,250, G>A on the plus strand (C>T on the coding strand, the complement: SCAF4 is on the minus strand). VCF-style: chr21-31694250-G-A. GRCh37 (hg19) VCF-style: chr21-33066563-G-A.
Other names: c.1231C>T, p.Arg411Ter (NM_001145444.1); c.1276C>T, p.Arg426Ter (NM_001145445.1); short protein forms R411*, R426*.
Identifiers: ClinVar variation 5009292 (VCV005009292.2).
Genomic context (GRCh38, chr21:31,694,250, plus strand): 5'-TTTCTATAAATTACCTGGATGCTGACCTAGATCTTGACTTTCTGTTATCAGACATATGTC[G>A]CTTAACCTCTTGAATACAAGGTTGTTCTACTTCCATTTCCTTAAAAAACAAAAACCATGA-3'

ClinVar aggregate classification (germline): Pathogenic. Review status: criteria provided, multiple submitters, no conflicts (2 of 4 stars). 2 submissions from 2 submitters: Pathogenic (2). Last evaluated 2026-02-14.

Conditions:
Paediatric disorders.

Submissions (2):

GeneDx
Classification: Pathogenic. Last evaluated: 2026-02-14. Review status: criteria provided, single submitter. Criteria: GeneDx Variant Classification Process June 2021. Collection method: clinical testing. Allele origin: germline.
Comment: De novo variant with confirmed parentage in an individual with Duchenne muscular dystrophy and autism spectrum disorder (PMID: 40050609); Nonsense variant predicted to result in protein truncation or nonsense mediated decay in a gene for which loss of function is a known mechanism of disease; Not observed at significant frequency in large population cohorts (gnomAD); This variant is associated with the following publications: (PMID: 40050609)

North West Genomic Laboratory Hub, Manchester University NHS Foundation Trust
Classification: Pathogenic for Paediatric disorders. Last evaluated: 2026-02-12. Review status: criteria provided, single submitter. Criteria: ACGS Best Practice Guidelines for Variant Classification in Rare Disease 2024. Collection method: clinical testing. Allele origin: germline. Affected: yes.
Comment: PM2_Mod PS4_Supp PVS1_VStr